The following is an entry in ClinVar:

ClinVar aggregate classification (germline): Uncertain significance (1 of 4 stars; one submission).

Allele frequency attached by ClinVar (database versions not stated): gnomAD exomes below 0.00001; TOPMed below 0.00001.
gnomAD v4.1: 1 of 1,614,156 alleles (0.000062%); highest among the groups gnomAD compares: Non-Finnish European, 0.000085%; no homozygotes.

Submission:

Labcorp Genetics (formerly Invitae), Labcorp
Classification: Uncertain significance. Last evaluated: 2022-08-08. Review status: criteria provided, single submitter. Criteria: Invitae Variant Classification Sherloc (09022015). Collection method: clinical testing. Allele origin: germline.
Comment: In summary, the available evidence is currently insufficient to determine the role of this variant in disease. Therefore, it has been classified as a Variant of Uncertain Significance. Variants that disrupt the consensus splice site are a relatively common cause of aberrant splicing (PMID: 17576681, 9536098). Algorithms developed to predict the effect of sequence changes on RNA splicing suggest that this variant is not likely to affect RNA splicing. This variant has not been reported in the literature in individuals affected with COQ6-related conditions. This variant is not present in population databases (gnomAD no frequency). This sequence change falls in intron 10 of the COQ6 gene. It does not directly change the encoded amino acid sequence of the COQ6 protein. It affects a nucleotide within the consensus splice site.

Literature cited by the submitters: PubMed 17576681; PubMed 9536098.

NM_182476.3(COQ6):c.1211-3C>T

Genes: COQ6 (coenzyme Q6, monooxygenase; plus strand), ENTPD5 (ectonucleoside triphosphate diphosphohydrolase 5; minus strand). Cytogenetic location: 14q24.3.
Variant type: single nucleotide variant.
Coding change: c.1211-3C>T on transcript NM_182476.3 (MANE Select); 3 bases into the intron before coding-DNA position 1211, C replaced by T.
Molecular consequence: intron variant.
Genome position (GRCh38, 1-based): chr14:73,961,734, C>T. VCF-style: chr14-73961734-C-T. GRCh37 (hg19) VCF-style: chr14-74428437-C-T.
Other names: c.1201-2181G>A (NM_001330189.2, NM_001382260.1, NM_001382259.1); c.1201-184G>A (NM_001321984.2); c.1028-3C>T (NM_001425258.1); c.986-3C>T (NM_001425259.1, NM_001425261.1, NM_001425260.1); c.1136-3C>T (NM_182480.3); c.884-3C>T (NM_001425263.1); c.1210+164C>T (NM_001425255.1); c.1103-3C>T (NM_001425256.1); and 5 more.
Identifiers: ClinVar variation 1928701 (VCV001928701.4), dbSNP rs2056746420, ClinGen allele CA2146832391.